The following is an entry in ClinVar:

ClinVar aggregate classification (germline): Uncertain significance (1 of 4 stars; one submission).

Submission:

Labcorp Genetics (formerly Invitae), Labcorp
Classification: Uncertain significance. Last evaluated: 2023-07-19. Review status: criteria provided, single submitter. Criteria: Invitae Variant Classification Sherloc (09022015). Collection method: clinical testing. Allele origin: unknown.
Comment: In summary, the available evidence is currently insufficient to determine the role of this variant in disease. Therefore, it has been classified as a Variant of Uncertain Significance. This variant has not been reported in the literature in individuals affected with TGM6-related conditions. A copy number gain of the genomic region encompassing the full coding sequence of the TGM6 gene has been identified. The boundaries of this event are unknown as they extend beyond the assayed region for this gene and therefore may encompass additional genes. As the precise location of this event is unknown, it may be in tandem or it may be located elsewhere in the genome.

NC_000020.10:g.(?_2361615)_(2413289_?)dup

Gene: TGM6 (transglutaminase 6; plus strand). Cytogenetic location: 20p13.
Variant type: Duplication.
Identifiers: ClinVar variation 3248365 (VCV003248365.1).